The following is an entry in ClinVar:

ClinVar aggregate classification (germline): Benign/Likely benign. Review status: criteria provided, multiple submitters, no conflicts (2 of 4 stars). 6 submissions from 6 submitters: Benign (3); Likely benign (3). Last evaluated 2026-02-02.

Conditions:
Diffuse cerebral and cerebellar atrophy - intractable seizures - progressive microcephaly syndrome. Also called: Microcephaly, progressive, with seizures and cerebral and cerebellar atrophy. Identifiers: Orphanet 404437, MedGen C4014239, MONDO:0014335, OMIM 615760.

Allele frequency attached by ClinVar (database versions not stated): 1000 Genomes Project 0.00020; 1000 Genomes Project 30x 0.00031; TOPMed 0.00149; gnomAD 0.00165 and 0.00167; gnomAD exomes 0.00165 and 0.00238; ESP Exome Variant Server 0.00193; ExAC 0.00219.
gnomAD v4.1: 3,677 of 1,598,966 alleles (0.23%); highest among the groups gnomAD compares: Non-Finnish European, 0.28%; 4 homozygotes.

Submissions (6):

Labcorp Genetics (formerly Invitae), Labcorp
Classification: Benign for Diffuse cerebral and cerebellar atrophy - intractable seizures - progressive microcephaly syndrome. Last evaluated: 2026-02-02. Review status: criteria provided, single submitter. Criteria: Invitae Variant Classification Sherloc (09022015). Collection method: clinical testing. Allele origin: germline.

ARUP Laboratories, Molecular Genetics and Genomics, ARUP Laboratories
Classification: Benign for Diffuse cerebral and cerebellar atrophy - intractable seizures - progressive microcephaly syndrome. Last evaluated: 2025-03-06. Review status: criteria provided, single submitter. Criteria: ARUP Molecular Germline Variant Investigation Process 2024. Collection method: clinical testing. Allele origin: germline.

Blueprint Genetics
Classification: Likely benign. Last evaluated: 2024-11-13. Review status: criteria provided, single submitter. Criteria: ACMG Guidelines, 2015. Collection method: clinical testing. Allele origin: germline.

Centre for Mendelian Genomics, University Medical Centre Ljubljana
Classification: Benign. Last evaluated: 2019-07-05. Review status: criteria provided, single submitter. Criteria: ACMG Guidelines, 2015. Collection method: clinical testing. Allele origin: unknown. Affected: yes.
Comment: This variant was classified as: Benign. The following ACMG criteria were applied in classifying this variant: BS1,BS2.

GeneDx
Classification: Likely benign. Last evaluated: 2018-02-21. Review status: criteria provided, single submitter. Criteria: GeneDx Variant Classification (06012015). Collection method: clinical testing. Allele origin: germline. Affected: yes.
Comment: This variant is considered likely benign or benign based on one or more of the following criteria: it is a conservative change, it occurs at a poorly conserved position in the protein, it is predicted to be benign by multiple in silico algorithms, and/or has population frequency not consistent with disease.

Breakthrough Genomics
Classification: Likely benign. Review status: criteria provided, single submitter. Criteria: ACMG Guidelines, 2015. Collection method: not provided. Allele origin: germline. Inheritance: Autosomal recessive inheritance. Affected: yes.

NM_005051.3(QARS1):c.117+17C>T

Genes: QARS1 (glutaminyl-tRNA synthetase 1; minus strand), LOC129936736 (ATAC-STARR-seq lymphoblastoid active region 19853; plus strand). Cytogenetic location: 3p21.31.
Variant type: single nucleotide variant.
Coding change: c.117+17C>T on transcript NM_005051.3 (MANE Select); 17 bases into the intron after coding-DNA position 117, C replaced by T.
Molecular consequence: intron variant.
Genome position (GRCh38, 1-based): chr3:49,104,600, G>A on the plus strand (C>T on the coding strand, the complement: QARS1 is on the minus strand). VCF-style: chr3-49104600-G-A. GRCh37 (hg19) VCF-style: chr3-49142033-G-A.
Other names: c.117+17C>T (NM_001272073.2).
Identifiers: ClinVar variation 382909 (VCV000382909.15), dbSNP rs202012811, ClinGen allele CA2392313.
Genomic context (GRCh38, chr3:49,104,600, plus strand): 5'-GGTCGGGATCTGGACCCCGCCCCGCGCTGCGTTGCAGCATGGTCTGCAAACCAGGCCGGG[G>A]GCAGAGGGGCTCGCACCTGAGTAGCGGCCTCGCGCAGCTGCGCGCTCAGAGCCGAGTTCT-3'